The following is an entry in ClinVar:

NM_003742.4(ABCB11):c.2479C>T (p.Leu827=)

Gene: ABCB11 (ATP binding cassette subfamily B member 11; minus strand). Cytogenetic location: 2q31.1.
Variant type: single nucleotide variant.
Coding change: c.2479C>T on transcript NM_003742.4 (MANE Select); coding-DNA position 2479, C replaced by T.
Protein change: p.Leu827=; no amino-acid change (leucine 827 retained).
Molecular consequence: synonymous variant.
Genome position (GRCh38, 1-based): chr2:168,944,736, G>A on the plus strand (C>T on the coding strand, the complement: ABCB11 is on the minus strand). VCF-style: chr2-168944736-G-A. GRCh37 (hg19) VCF-style: chr2-169801246-G-A.
Other names: c.2479C>T (NM_003742.2).
Identifiers: ClinVar variation 1100506 (VCV001100506.11), dbSNP rs777104186, ClinGen allele CA1951267.

ClinVar aggregate classification (germline): Likely benign. Review status: criteria provided, single submitter (1 of 4 stars). 2 submissions from 2 submitters: Likely benign (1). 1 of the submissions does not count toward it. Last evaluated 2023-12-09.

Conditions:
ABCB11-related disorder. Also called: ABCB11-related condition.

Allele frequency attached by ClinVar (database versions not stated): ExAC 0.00001; gnomAD exomes 0.00001 and 0.00002; TOPMed 0.00001.
gnomAD v4.1: 14 of 1,612,598 alleles (0.00087%); highest among the groups gnomAD compares: South Asian, 0.013%; no homozygotes.

Submissions (2):

Labcorp Genetics (formerly Invitae), Labcorp
Classification: Likely benign. Last evaluated: 2023-12-09. Review status: criteria provided, single submitter. Criteria: Invitae Variant Classification Sherloc (09022015). Collection method: clinical testing. Allele origin: germline.

PreventionGenetics, part of Exact Sciences
Classification: Likely benign for ABCB11-related condition. Last evaluated: 2019-07-12. Review status: no assertion criteria provided. Collection method: clinical testing. Allele origin: germline. Not counted in ClinVar's aggregate classification.
Comment: This variant is classified as likely benign based on ACMG/AMP sequence variant interpretation guidelines (Richards et al. 2015 PMID: 25741868, with internal and published modifications).